The following is an entry in ClinVar:

NM_001127511.3(APC):c.-98G>T

Gene: APC (APC regulator of Wnt signaling pathway; plus strand). Cytogenetic location: 5q22.2.
Variant type: single nucleotide variant.
Coding change: c.-98G>T on transcript NM_001127511.3; 98 bases upstream of the start codon, G replaced by T.
Molecular consequence: 5 prime UTR variant. On other transcripts: non-coding transcript variant (2).
Genome position (GRCh38, 1-based): chr5:112,707,620, G>T. VCF-style: chr5-112707620-G-T. GRCh37 (hg19) VCF-style: chr5-112043317-G-T.
Other names: c.-1316G>T (NM_001407470.1, NM_001407472.1); c.-281G>T (NM_001354895.2, NM_001407447.1, NM_001407452.1 and 3 more transcripts); c.-98G>T (NM_001354897.2, NM_001354902.2, NM_001407446.1); c.-48G>T (NM_001407448.1, NM_001407450.1, NM_001407457.1 and 1 more transcripts); c.-72G>T (NM_001407453.1).
Identifiers: ClinVar variation 2725811 (VCV002725811.3), dbSNP rs997256982, ClinGen allele CA2674863572.
Genomic context (GRCh38, chr5:112,707,620, plus strand): 5'-GGCCGCCGGAAGCCTAGCCGCTGCTCGGGGGGGACCTGCGGGCTCAGGCCCGGGAGCTGC[G>T]GACCGAGGTTGGCTCGATGCTGTTCCCAGGTACTGTTGTTGGCTGTTGGTGAGGAAGGTG-3'

ClinVar aggregate classification (germline): Uncertain significance (1 of 4 stars; one submission).

Conditions:
Familial adenomatous polyposis 1 (FAP1). Also called: FAMILIAL ADENOMATOUS POLYPOSIS 1, ATTENUATED; POLYPOSIS, ADENOMATOUS INTESTINAL. Identifiers: MedGen C2713442, MONDO:0021056, OMIM 175100. Disease mechanism: loss of function.

gnomAD v4.1: 1 of 1,283,042 alleles (0.000078%); highest among the groups gnomAD compares: Non-Finnish European, 0.0001%; no homozygotes.

Submission:

Labcorp Genetics (formerly Invitae), Labcorp
Classification: Uncertain significance for Familial adenomatous polyposis 1. Last evaluated: 2023-09-04. Review status: criteria provided, single submitter. Criteria: Invitae Variant Classification Sherloc (09022015). Collection method: clinical testing. Allele origin: germline.
Comment: This variant occurs in a non-coding region of the APC gene. It does not change the encoded amino acid sequence of the APC protein. This variant is not present in population databases (gnomAD no frequency). This variant has not been reported in the literature in individuals affected with APC-related conditions. Experimental studies and prediction algorithms are not available or were not evaluated, and the functional significance of this variant is currently unknown. In summary, the available evidence is currently insufficient to determine the role of this variant in disease. Therefore, it has been classified as a Variant of Uncertain Significance.